The following is an entry in ClinVar:

NM_000302.4(PLOD1):c.722A>G (p.His241Arg)

Gene: PLOD1 (procollagen-lysine,2-oxoglutarate 5-dioxygenase 1; plus strand). Cytogenetic location: 1p36.22.
Variant type: single nucleotide variant.
Coding change: c.722A>G on transcript NM_000302.4 (MANE Select); coding-DNA position 722, A replaced by G.
Protein change: p.His241Arg; replaces histidine 241 with arginine.
Molecular consequence: missense variant.
Genome position (GRCh38, 1-based): chr1:11,956,995, A>G. VCF-style: chr1-11956995-A-G. GRCh37 (hg19) VCF-style: chr1-12017052-A-G.
Other names: c.863A>G, p.His288Arg (NM_001316320.2); short protein forms H288R, H241R.
Identifiers: ClinVar variation 1757797 (VCV001757797.2), dbSNP rs1193328392, ClinGen allele CA338431308.
Genomic context (GRCh38, chr1:11,956,995, plus strand): 5'-TTGAAATGGGCCATGTGAGAGCGAGGAACCTGGCCTATGACACCCTCCCGGTCCTGATCC[A>G]TGGCAACGGGCCAACCAAGGTAGGGGGTCCCCAGCCCCTGGGGAGTGTGGGAGGGGGCCA-3'
Protein context (NP_000293.2, residues 231-251): LAYDTLPVLI[His241Arg]GNGPTKLQLN

ClinVar aggregate classification (germline): Uncertain significance (1 of 4 stars; one submission).

Conditions:
Familial thoracic aortic aneurysm and aortic dissection (TAAD). Also called: Thoracic aortic aneurysms and dissections. Identifiers: Orphanet 91387, MedGen C4707243, MONDO:0019625.

Allele frequency attached by ClinVar (database versions not stated): gnomAD exomes 0.00001.

Submission:

Ambry Genetics
Classification: Uncertain significance for Familial thoracic aortic aneurysm and aortic dissection. Last evaluated: 2022-04-22. Review status: criteria provided, single submitter. Criteria: Ambry Variant Classification Scheme 2023. Collection method: clinical testing. Allele origin: germline.
Comment: The p.H241R variant (also known as c.722A>G), located in coding exon 7 of the PLOD1 gene, results from an A to G substitution at nucleotide position 722. The histidine at codon 241 is replaced by arginine, an amino acid with highly similar properties. This amino acid position is highly conserved in available vertebrate species. In addition, this alteration is predicted to be deleterious by in silico analysis. Since supporting evidence is limited at this time, the clinical significance of this alteration remains unclear.